The following is an entry in ClinVar:

NM_033400.3(ZFHX2):c.5406C>T (p.Pro1802=)

Genes: THTPA (thiamine triphosphatase; plus strand), ZFHX2 (zinc finger homeobox 2; minus strand). Cytogenetic location: 14q11.2.
Variant type: single nucleotide variant.
Coding change: c.5406C>T on transcript NM_033400.3 (MANE Select); coding-DNA position 5406, C replaced by T.
Protein change: p.Pro1802=; no amino-acid change (proline 1802 retained).
Molecular consequence: synonymous variant.
Genome position (GRCh38, 1-based): chr14:23,524,536, G>A on the plus strand (C>T on the coding strand, the complement: ZFHX2 is on the minus strand). VCF-style: chr14-23524536-G-A. GRCh37 (hg19) VCF-style: chr14-23993745-G-A.
Identifiers: ClinVar variation 3250720 (VCV003250720.18), dbSNP rs61734117.

ClinVar aggregate classification (germline): Likely benign (1 of 4 stars; one submission).

Allele frequency attached by ClinVar (database versions not stated): 1000 Genomes Project 30x 0.00016.
gnomAD v4.1: 42 of 1,527,254 alleles (0.0028%); highest among the groups gnomAD compares: Admixed American, 0.0079%; no homozygotes.

Submission:

CeGaT Center for Human Genetics Tuebingen
Classification: Likely benign. Last evaluated: 2024-06-01. Review status: criteria provided, single submitter. Criteria: CeGaT Center For Human Genetics Tuebingen Variant Classification Criteria Version 2. Collection method: clinical testing. Allele origin: germline. Affected: yes. Observed: 1 variant allele.
Comment: ZFHX2: BP4, BP7